The following is an entry in ClinVar:

ClinVar aggregate classification (germline): Uncertain significance (1 of 4 stars; one submission).

Submission:

Ambry Genetics
Classification: Uncertain significance. Last evaluated: 2024-09-01. Review status: criteria provided, single submitter. Criteria: Ambry Variant Classification Scheme 2023. Collection method: clinical testing. Allele origin: germline.
Comment: The p.E1035Q variant (also known as c.3103G>C), located in coding exon 1 of the MLH3 gene, results from a G to C substitution at nucleotide position 3103. The glutamic acid at codon 1035 is replaced by glutamine, an amino acid with highly similar properties. This amino acid position is conserved. In addition, the in silico prediction for this alteration is inconclusive. Since supporting evidence is limited at this time, the clinical significance of this alteration remains unclear.

NM_001040108.2(MLH3):c.3103G>C (p.Glu1035Gln)

Gene: MLH3 (mutL homolog 3; minus strand). Cytogenetic location: 14q24.3.
Variant type: single nucleotide variant.
Coding change: c.3103G>C on transcript NM_001040108.2 (MANE Select); coding-DNA position 3103, G replaced by C.
Protein change: p.Glu1035Gln; replaces glutamic acid 1035 with glutamine.
Molecular consequence: missense variant.
Genome position (GRCh38, 1-based): chr14:75,046,553, C>G on the plus strand (G>C on the coding strand, the complement: MLH3 is on the minus strand). VCF-style: chr14-75046553-C-G. GRCh37 (hg19) VCF-style: chr14-75513256-C-G.
Other names: c.3103G>C, p.Glu1035Gln (NM_014381.3); short protein forms E1035Q.
Identifiers: ClinVar variation 1727666 (VCV001727666.3), dbSNP rs143865811, ClinGen allele CA390436286.